The following is an entry in ClinVar:

ClinVar aggregate classification (germline): Uncertain significance (1 of 4 stars; one submission).

Conditions:
Catecholaminergic polymorphic ventricular tachycardia 1. Also called: VENTRICULAR TACHYCARDIA, STRESS-INDUCED POLYMORPHIC 1; VENTRICULAR TACHYCARDIA, CATECHOLAMINERGIC POLYMORPHIC, 1, WITH OR WITHOUT ATRIAL DYSFUNCTION AND/OR DILATED CARDIOMYOPATHY; RYR2-Related Catecholaminergic Polymorphic Ventricular Tachycardia. Identifiers: Orphanet 3286, MedGen C1631597, MONDO:0011484, OMIM 604772.

gnomAD v4.1: 2 of 1,603,080 alleles (0.00012%); highest among the groups gnomAD compares: African/African-American, 0.0013%; no homozygotes.

Submission:

Labcorp Genetics (formerly Invitae), Labcorp
Classification: Uncertain significance for Catecholaminergic polymorphic ventricular tachycardia 1. Last evaluated: 2024-05-13. Review status: criteria provided, single submitter. Criteria: Invitae Variant Classification Sherloc (09022015). Collection method: clinical testing. Allele origin: germline.
Comment: This sequence change replaces isoleucine, which is neutral and non-polar, with valine, which is neutral and non-polar, at codon 4890 of the RYR2 protein (p.Ile4890Val). This variant is present in population databases (rs530324741, gnomAD 0.007%). This variant has not been reported in the literature in individuals affected with RYR2-related conditions. Advanced modeling of protein sequence and biophysical properties (such as structural, functional, and spatial information, amino acid conservation, physicochemical variation, residue mobility, and thermodynamic stability) performed at Invitae indicates that this missense variant is expected to disrupt RYR2 protein function with a positive predictive value of 95%. In summary, the available evidence is currently insufficient to determine the role of this variant in disease. Therefore, it has been classified as a Variant of Uncertain Significance.

NM_001035.3(RYR2):c.14668A>G (p.Ile4890Val)

Gene: RYR2 (ryanodine receptor 2; plus strand). Cytogenetic location: 1q43.
Variant type: single nucleotide variant.
Coding change: c.14668A>G on transcript NM_001035.3 (MANE Select); coding-DNA position 14668, A replaced by G.
Protein change: p.Ile4890Val; replaces isoleucine 4890 with valine.
Molecular consequence: missense variant.
Genome position (GRCh38, 1-based): chr1:237,830,542, A>G. VCF-style: chr1-237830542-A-G. GRCh37 (hg19) VCF-style: chr1-237993842-A-G.
Other names: short protein forms I4890V.
Identifiers: ClinVar variation 3709573 (VCV003709573.2).